The following is an entry in ClinVar:

ClinVar aggregate classification (germline): Likely pathogenic. Review status: criteria provided, multiple submitters, no conflicts (2 of 4 stars). 2 submissions from 2 submitters: Likely pathogenic (2). Last evaluated 2025-08-29.

Conditions:
Hypophosphatasia. Also called: Phosphoethanol-aminuria. Identifiers: Orphanet 436, MedGen C0020630, MeSH D007014, MONDO:0018570.

Submissions (2):

Genomenon, Inc
Classification: Likely pathogenic for Hypophosphatasia. Last evaluated: 2025-08-29. Review status: criteria provided, single submitter. Criteria: Genomenon Sequence Variant Interpretation Standards. Collection method: curation. Allele origin: germline. Affected: yes.
Comment: ALPL c.1327G>A is a missense variant that changes the amino acid at residue 443 from Alanine to Threonine. This variant has been observed in at least one proband affected with hypophosphatasia (PMID:31267001). At least one functional study has demonstrated a substantial alteration in protein function relative to the wild-type (PMID:31267001;32160374). It is absent or not present at a significant frequency in gnomAD. In conclusion, we classify ALPL p.Ala443Thr (c.1327G>A) as a likely pathogenic variant.

JKU Lab, Dept of Paediatrics, Johannes Kepler University
Classification: Likely pathogenic for Hypophosphatasia. Last evaluated: 2024-02-13. Review status: criteria provided, single submitter. Criteria: ACMG Guidelines, 2015. Collection method: clinical testing. Allele origin: germline. Affected: yes. Observed: 1 heterozygote.
Comment: Absent in GnomAD.

Literature cited by the submitters: PubMed 31267001 (cited by Genomenon, Inc); PubMed 32160374 (cited by Genomenon, Inc).

NM_000478.6(ALPL):c.1327G>A (p.Ala443Thr)

Gene: ALPL (alkaline phosphatase, biomineralization associated; plus strand). Cytogenetic location: 1p36.12.
Variant type: single nucleotide variant.
Coding change: c.1327G>A on transcript NM_000478.6 (MANE Select); coding-DNA position 1327, G replaced by A.
Protein change: p.Ala443Thr; replaces alanine 443 with threonine.
Molecular consequence: missense variant.
Genome position (GRCh38, 1-based): chr1:21,577,400, G>A. VCF-style: chr1-21577400-G-A. GRCh37 (hg19) VCF-style: chr1-21903893-G-A.
Other names: c.1162G>A, p.Ala388Thr (NM_001127501.4); c.1096G>A, p.Ala366Thr (NM_001177520.3); c.1327G>A, p.Ala443Thr (NM_001369803.2, NM_001369804.2, NM_001369805.2); short protein forms A388T, A443T, A366T.
Identifiers: ClinVar variation 3024105 (VCV003024105.2), dbSNP rs2545350189, ClinGen allele CA338881969.